The following is an entry in ClinVar:

NM_000122.2(ERCC3):c.306T>C (p.Ala102=)

Gene: ERCC3 (ERCC excision repair 3, TFIIH core complex helicase subunit; minus strand). Cytogenetic location: 2q14.3.
Variant type: single nucleotide variant.
Coding change: c.306T>C on transcript NM_000122.2 (MANE Select); coding-DNA position 306, T replaced by C.
Protein change: p.Ala102=; no amino-acid change (alanine 102 retained).
Molecular consequence: synonymous variant.
Genome position (GRCh38, 1-based): chr2:127,292,775, A>G on the plus strand (T>C on the coding strand, the complement: ERCC3 is on the minus strand). VCF-style: chr2-127292775-A-G. GRCh37 (hg19) VCF-style: chr2-128050351-A-G.
Other names: c.114T>C, p.Ala38= (NM_001303416.2, NM_001303418.2).
Identifiers: ClinVar variation 3771596 (VCV003771596.13).

ClinVar aggregate classification (germline): Likely benign (1 of 4 stars; one submission).

gnomAD v4.1: 4 of 1,613,948 alleles (0.00025%); highest among the groups gnomAD compares: African/African-American, 0.0013%; no homozygotes.

Submission:

CeGaT Center for Human Genetics Tuebingen
Classification: Likely benign. Last evaluated: 2024-12-01. Review status: criteria provided, single submitter. Criteria: CeGaT Center For Human Genetics Tuebingen Variant Classification Criteria Version 2. Collection method: clinical testing. Allele origin: germline. Affected: yes. Observed: 1 variant allele.
Comment: ERCC3: BP4, BP7